The following is an entry in ClinVar:

ClinVar aggregate classification (germline): Uncertain significance (1 of 4 stars; one submission).

Conditions:
PLXNA2-related disorder. Also called: PLXNA2-related condition.

gnomAD v4.1: 3 of 1,614,106 alleles (0.00019%); highest among the groups gnomAD compares: East Asian, 0.0022%; no homozygotes.

Submission:

PreventionGenetics, part of Exact Sciences
Classification: Uncertain significance for PLXNA2-related condition. Last evaluated: 2024-11-09. Review status: criteria provided, single submitter. Criteria: ACMG Guidelines, 2015. Collection method: clinical testing. Allele origin: germline.
Comment: The PLXNA2 c.2828C>T variant is predicted to result in the amino acid substitution p.Thr943Met. To our knowledge, this variant has not been reported in the literature or in a large population database (gnomAD), indicating this variant is rare. At this time, the clinical significance of this variant is uncertain due to the absence of conclusive functional and genetic evidence.

NM_025179.4(PLXNA2):c.2828C>T (p.Thr943Met)

Gene: PLXNA2 (plexin A2; minus strand). Cytogenetic location: 1q32.2.
Variant type: single nucleotide variant.
Coding change: c.2828C>T on transcript NM_025179.4 (MANE Select); coding-DNA position 2828, C replaced by T.
Protein change: p.Thr943Met; replaces threonine 943 with methionine.
Molecular consequence: missense variant.
Genome position (GRCh38, 1-based): chr1:208,054,449, G>A on the plus strand (C>T on the coding strand, the complement: PLXNA2 is on the minus strand). VCF-style: chr1-208054449-G-A. GRCh37 (hg19) VCF-style: chr1-208227794-G-A.
Other names: short protein forms T943M.
Identifiers: ClinVar variation 4998518 (VCV004998518.1).